The following is an entry in ClinVar:

ClinVar aggregate classification (germline): Benign. Review status: criteria provided, multiple submitters, no conflicts (2 of 4 stars). 3 submissions from 3 submitters: Benign (3). Last evaluated 2018-11-12.

Conditions:
Tooth agenesis, selective, 3 (STHAG3). Also called: HYPODONTIA/OLIGODONTIA 3. Identifiers: Orphanet 99798, MedGen C1970291, MONDO:0011477, OMIM 604625. Disease mechanism: loss of function.

Allele frequency attached by ClinVar (database versions not stated): gnomAD 0.04118 and 0.04549; TOPMed 0.05202; gnomAD exomes 0.05225; 1000 Genomes Project 30x 0.10009; 1000 Genomes Project 0.10184.

Submissions (3):

GeneDx
Classification: Benign. Last evaluated: 2018-11-12. Review status: criteria provided, single submitter. Criteria: GeneDx Variant Classification Process June 2021. Collection method: clinical testing. Allele origin: germline. Affected: yes.

Illumina Laboratory Services, Illumina
Classification: Benign for Tooth agenesis, selective, 3. Last evaluated: 2018-01-13. Review status: criteria provided, single submitter. Criteria: ICSL Variant Classification Criteria 13 December 2019. Collection method: clinical testing. Allele origin: germline.
Comment: This variant was observed in the ICSL laboratory as part of a predisposition screen in an ostensibly healthy population. It had not been previously curated by ICSL or reported in the Human Gene Mutation Database (HGMD: prior to June 1st, 2018), and was therefore a candidate for classification through an automated scoring system. Utilizing variant allele frequency, disease prevalence and penetrance estimates, and inheritance mode, an automated score was calculated to assess if this variant is too frequent to cause the disease. Based on the score and internal cut-off values, a variant classified as benign is not then subjected to further curation. The score for this variant resulted in a classification of benign for this disease.

Breakthrough Genomics
Classification: Benign. Review status: criteria provided, single submitter. Criteria: ACMG Guidelines, 2015. Collection method: not provided. Allele origin: germline. Inheritance: Autosomal dominant inheritance. Affected: yes.

NM_001372076.1(PAX9):c.*259C>T

Gene: PAX9 (paired box 9; plus strand). Cytogenetic location: 14q13.3.
Variant type: single nucleotide variant.
Coding change: c.*259C>T on transcript NM_001372076.1 (MANE Select); 259 bases downstream of the stop codon, C replaced by T.
Molecular consequence: 3 prime UTR variant.
Genome position (GRCh38, 1-based): chr14:36,676,711, C>T. VCF-style: chr14-36676711-C-T. GRCh37 (hg19) VCF-style: chr14-37145916-C-T.
Other names: c.*259C>T (NM_006194.4).
Identifiers: ClinVar variation 313175 (VCV000313175.8), dbSNP rs17104965, ClinGen allele CA10640176.